The following is an entry in ClinVar:

NM_001145358.2(SIN3A):c.3497A>G (p.Glu1166Gly)

Gene: SIN3A (SIN3 transcription regulator family member A; minus strand). Cytogenetic location: 15q24.2.
Variant type: single nucleotide variant.
Coding change: c.3497A>G on transcript NM_001145358.2 (MANE Select); coding-DNA position 3497, A replaced by G.
Protein change: p.Glu1166Gly; replaces glutamic acid 1166 with glycine.
Molecular consequence: missense variant.
Genome position (GRCh38, 1-based): chr15:75,375,759, T>C on the plus strand (A>G on the coding strand, the complement: SIN3A is on the minus strand). VCF-style: chr15-75375759-T-C. GRCh37 (hg19) VCF-style: chr15-75668100-T-C.
Other names: c.3497A>G, p.Glu1166Gly (NM_001145357.2, NM_015477.3); short protein forms E1166G.
Identifiers: ClinVar variation 452387 (VCV000452387.2), dbSNP rs1555441136, ClinGen allele CA393485629.

ClinVar aggregate classification (germline): Uncertain significance (1 of 4 stars; one submission).

Submission:

GeneDx
Classification: Uncertain significance. Last evaluated: 2017-10-02. Review status: criteria provided, single submitter. Criteria: GeneDx Variant Classification (06012015). Collection method: clinical testing. Allele origin: germline. Affected: yes.
Comment: The E1166G variant in the SIN3A gene has not been reported previously as a pathogenic variant, nor as a benign variant, to our knowledge. The E1166G variant is not observed in large population cohorts (Lek et al., 2016). The E1166G variant is a non-conservative amino acid substitution, which is likely to impact secondary protein structure as these residues differ in polarity, charge, size and/or other properties. This substitution occurs at a position that is conserved across species. In silico analysis predicts this variant is probably damaging to the protein structure/function. We interpret E1166G as a variant of uncertain significance.